The following is an entry in ClinVar:

ClinVar aggregate classification (germline): Conflicting classifications of pathogenicity. Review status: criteria provided, conflicting classifications (1 of 4 stars). 6 submissions from 5 submitters: Uncertain significance (1); Benign (2); Likely benign (2). 1 of the submissions does not count toward it. Last evaluated 2025-12-17.

Conditions:
ANKH-related disorder. Also called: ANKH-Related Disorders; ANKH-related condition.
Craniometaphyseal dysplasia, autosomal dominant (CMDD). Identifiers: Orphanet 1522, MedGen C1852502, MONDO:0007397, OMIM 123000.
Chondrocalcinosis 2. Also called: Familial calcium pyrophosphate deposition; CALCIUM GOUT; CALCIUM PYROPHOSPHATE ARTHROPATHY. Identifiers: Orphanet 1416, MedGen C0856830, MONDO:0007319, OMIM 118600.

Allele frequency attached by ClinVar (database versions not stated): gnomAD 0.00027 and 0.00029; ExAC 0.00028; gnomAD exomes 0.00031 and 0.00060; TOPMed 0.00031; ESP Exome Variant Server 0.00069.
gnomAD v4.1: 917 of 1,613,748 alleles (0.057%); highest among the groups gnomAD compares: Non-Finnish European, 0.073%; no homozygotes.

Submissions (6):

Labcorp Genetics (formerly Invitae), Labcorp
Classification: Uncertain significance. Last evaluated: 2025-12-17. Review status: criteria provided, single submitter. Criteria: Invitae Variant Classification Sherloc (09022015). Collection method: clinical testing. Allele origin: germline.
Comment: This sequence change replaces valine, which is neutral and non-polar, with methionine, which is neutral and non-polar, at codon 341 of the ANKH protein (p.Val341Met). This variant is present in population databases (rs199664007, gnomAD 0.06%), and has an allele count higher than expected for a pathogenic variant. This variant has not been reported in the literature in individuals affected with ANKH-related conditions. ClinVar contains an entry for this variant (Variation ID: 903973). Invitae Evidence Modeling of protein sequence and biophysical properties (such as structural, functional, and spatial information, amino acid conservation, physicochemical variation, residue mobility, and thermodynamic stability) indicates that this missense variant is not expected to disrupt ANKH protein function with a negative predictive value of 80%. In summary, the available evidence is currently insufficient to determine the role of this variant in disease. Therefore, it has been classified as a Variant of Uncertain Significance.

Blueprint Genetics
Classification: Likely benign. Last evaluated: 2024-09-03. Review status: criteria provided, single submitter. Criteria: ACMG Guidelines, 2015. Collection method: clinical testing. Allele origin: germline.

GeneDx
Classification: Likely benign. Last evaluated: 2019-12-27. Review status: criteria provided, single submitter. Criteria: GeneDx Variant Classification Process June 2021. Collection method: clinical testing. Allele origin: germline. Affected: yes.
Comment: In silico analysis, which includes protein predictors and evolutionary conservation, supports that this variant does not alter protein structure/function; Has not been previously published as pathogenic or benign to our knowledge

Illumina Laboratory Services, Illumina
Classification: Benign for Craniometaphyseal dysplasia, autosomal dominant. Last evaluated: 2018-01-13. Review status: criteria provided, single submitter. Criteria: ICSL Variant Classification Criteria 13 December 2019. Collection method: clinical testing. Allele origin: germline.
Comment: This variant was observed in the ICSL laboratory as part of a predisposition screen in an ostensibly healthy population. It had not been previously curated by ICSL or reported in the Human Gene Mutation Database (HGMD: prior to June 1st, 2018), and was therefore a candidate for classification through an automated scoring system. Utilizing variant allele frequency, disease prevalence and penetrance estimates, and inheritance mode, an automated score was calculated to assess if this variant is too frequent to cause the disease. Based on the score and internal cut-off values, a variant classified as benign is not then subjected to further curation. The score for this variant resulted in a classification of benign for this disease.

Illumina Laboratory Services, Illumina
Classification: Benign for Chondrocalcinosis 2. Last evaluated: 2018-01-13. Review status: criteria provided, single submitter. Criteria: ICSL Variant Classification Criteria 13 December 2019. Collection method: clinical testing. Allele origin: germline.
Comment: the same text as in the submission from Illumina Laboratory Services, Illumina above.

PreventionGenetics, part of Exact Sciences
Classification: Likely benign for ANKH-related condition. Last evaluated: 2023-08-26. Review status: no assertion criteria provided. Collection method: clinical testing. Allele origin: germline. Not counted in ClinVar's aggregate classification.
Comment: This variant is classified as likely benign based on ACMG/AMP sequence variant interpretation guidelines (Richards et al. 2015 PMID: 25741868, with internal and published modifications).

NM_054027.6(ANKH):c.1021G>A (p.Val341Met)

Gene: ANKH (ANKH inorganic pyrophosphate transport regulator; minus strand). Cytogenetic location: 5p15.2.
Variant type: single nucleotide variant.
Coding change: c.1021G>A on transcript NM_054027.6 (MANE Select); coding-DNA position 1021, G replaced by A.
Protein change: p.Val341Met; replaces valine 341 with methionine.
Molecular consequence: missense variant.
Genome position (GRCh38, 1-based): chr5:14,716,826, C>T on the plus strand (G>A on the coding strand, the complement: ANKH is on the minus strand). VCF-style: chr5-14716826-C-T. GRCh37 (hg19) VCF-style: chr5-14716935-C-T.
Other names: short protein forms V341M.
Identifiers: ClinVar variation 903973 (VCV000903973.16), dbSNP rs199664007, ClinGen allele CA3208936.